The following is an entry in ClinVar:

NM_001042492.3(NF1):c.886A>T (p.Lys296Ter)

Gene: NF1 (neurofibromin 1; plus strand). Cytogenetic location: 17q11.2.
Variant type: single nucleotide variant.
Coding change: c.886A>T on transcript NM_001042492.3 (MANE Select); coding-DNA position 886, A replaced by T.
Protein change: p.Lys296Ter; replaces lysine 296 with a stop codon.
Molecular consequence: nonsense.
Genome position (GRCh38, 1-based): chr17:31,182,663, A>T. VCF-style: chr17-31182663-A-T. GRCh37 (hg19) VCF-style: chr17-29509681-A-T.
Other names: c.886A>T, p.Lys296Ter (NM_000267.4, NM_001128147.3); short protein forms K296*.
Identifiers: ClinVar variation 431572 (VCV000431572.7), dbSNP rs1135402798, ClinGen allele CA398991305.

ClinVar aggregate classification (germline): Pathogenic. Review status: criteria provided, single submitter (1 of 4 stars). 2 submissions from 2 submitters: Pathogenic (1). 1 of the submissions does not count toward it. Last evaluated 2021-12-31.

Conditions:
Neurofibromatosis, type 1 (NF1). Also called: Neurofibromatosis, type I; NEUROFIBROMATOSIS, TYPE I, SOMATIC; Peripheral type neurofibromatosis; VON RECKLINGHAUSEN DISEASE. Identifiers: Orphanet 636, MedGen C0027831, MONDO:0018975, OMIM 162200. Disease mechanism: loss of function.

Submissions (2):

Labcorp Genetics (formerly Invitae), Labcorp
Classification: Pathogenic for Neurofibromatosis, type 1. Last evaluated: 2021-12-31. Review status: criteria provided, single submitter. Criteria: Invitae Variant Classification Sherloc (09022015). Collection method: clinical testing. Allele origin: germline.
Comment: This premature translational stop signal has been observed in individual(s) with neurofibromatosis type 1 (PMID: 28961165). ClinVar contains an entry for this variant (Variation ID: 431572). For these reasons, this variant has been classified as Pathogenic. This variant is not present in population databases (gnomAD no frequency). This sequence change creates a premature translational stop signal (p.Lys296*) in the NF1 gene. It is expected to result in an absent or disrupted protein product. Loss-of-function variants in NF1 are known to be pathogenic (PMID: 10712197, 23913538).

Medical Genetics, University of Parma
Classification: Uncertain significance for Neurofibromatosis type 1. Last evaluated: 2017-02-02. Review status: no assertion criteria provided. Collection method: clinical testing. Allele origin: germline. Affected: yes. Not counted in ClinVar's aggregate classification.

Literature cited by the submitters: PubMed 28961165 (cited by Labcorp Genetics (formerly Invitae), Labcorp); PubMed 10712197 (cited by Labcorp Genetics (formerly Invitae), Labcorp); PubMed 23913538 (cited by Labcorp Genetics (formerly Invitae), Labcorp).